The following is an entry in ClinVar:

ClinVar aggregate classification (germline): Pathogenic (1 of 4 stars; one submission).

Conditions:
Congenital disorder of deglycosylation (CDDG). Identifiers: MedGen C3808991, MONDO:0031376.

Submission:

Labcorp Genetics (formerly Invitae), Labcorp
Classification: Pathogenic for Congenital disorder of deglycosylation. Last evaluated: 2023-11-24. Review status: criteria provided, single submitter. Criteria: Invitae Variant Classification Sherloc (09022015). Collection method: clinical testing. Allele origin: germline.
Comment: This variant is a gross deletion of the genomic region encompassing exon(s) 4 of the NGLY1 gene. This deletion is out-of-frame, and is expected to create a premature termination codon and result in an absent or disrupted protein product. Loss-of-function variants in NGLY1 are known to be pathogenic (PMID: 24651605). This variant has not been reported in the literature in individuals affected with NGLY1-related conditions. For these reasons, this variant has been classified as Pathogenic.

Literature cited by the submitters: PubMed 24651605.

NC_000003.12:g.(?_25751078)_(25751283_?)del

Gene: NGLY1 (N-glycanase 1; minus strand). Cytogenetic location: 3p24.2.
Variant type: Deletion.
Identifiers: ClinVar variation 647459 (VCV000647459.6).